The following is an entry in ClinVar:

ClinVar aggregate classification (germline): Uncertain significance (1 of 4 stars; one submission).

Conditions:
Regional enteritis. Also called: Enteritis, Granulomatous. Identifiers: MedGen C0678202, MeSH D003424.
Blau syndrome (BLAUS). Also called: ARTHROCUTANEOUVEAL GRANULOMATOSIS; GRANULOMATOSIS, FAMILIAL JUVENILE SYSTEMIC; GRANULOMATOSIS, FAMILIAL, BLAU TYPE; GRANULOMATOUS INFLAMMATORY ARTHRITIS, DERMATITIS, AND UVEITIS, FAMILIAL; JABS SYNDROME. Identifiers: Orphanet 90340, MedGen C5201146, MONDO:0008523, OMIM 186580.

gnomAD v4.1: 1 of 1,613,780 alleles (0.000062%); highest among the groups gnomAD compares: Admixed American, 0.0017%; no homozygotes.

Submission:

Labcorp Genetics (formerly Invitae), Labcorp
Classification: Uncertain significance for Regional enteritis; Blau syndrome. Last evaluated: 2025-11-23. Review status: criteria provided, single submitter. Criteria: Invitae Variant Classification Sherloc (09022015). Collection method: clinical testing. Allele origin: germline.
Comment: This sequence change replaces lysine, which is basic and polar, with threonine, which is neutral and polar, at codon 458 of the NOD2 protein (p.Lys458Thr). This variant is not present in population databases (gnomAD no frequency). This variant has not been reported in the literature in individuals affected with NOD2-related conditions. Invitae Evidence Modeling of protein sequence and biophysical properties (such as structural, functional, and spatial information, amino acid conservation, physicochemical variation, residue mobility, and thermodynamic stability) has been performed for this missense variant. However, the output from this modeling did not meet the statistical confidence thresholds required to predict the impact of this variant on NOD2 protein function. In summary, the available evidence is currently insufficient to determine the role of this variant in disease. Therefore, it has been classified as a Variant of Uncertain Significance.

NM_001370466.1(NOD2):c.1292A>C (p.Lys431Thr)

Gene: NOD2 (nucleotide binding oligomerization domain containing 2; plus strand). Cytogenetic location: 16q12.1.
Variant type: single nucleotide variant.
Coding change: c.1292A>C on transcript NM_001370466.1 (MANE Select); coding-DNA position 1292, A replaced by C.
Protein change: p.Lys431Thr; replaces lysine 431 with threonine.
Molecular consequence: missense variant. On other transcripts: non-coding transcript variant (1).
Genome position (GRCh38, 1-based): chr16:50,711,284, A>C. VCF-style: chr16-50711284-A-C. GRCh37 (hg19) VCF-style: chr16-50745195-A-C.
Other names: c.1292A>C, p.Lys431Thr (NM_001293557.2); c.1373A>C, p.Lys458Thr (NM_022162.3); short protein forms K431T, K458T.
Identifiers: ClinVar variation 4791926 (VCV004791926.1).
Genomic context (GRCh38, chr16:50,711,284, plus strand): 5'-TCCGCACCGAGTTCAACCTCAAGGGCTTCTCTGAACAGGGCATCGAGCTGTACCTGAGGA[A>C]GCGCCATCATGAGCCCGGGGTGGCGGACCGCCTCATCCGCCTGCTCCAAGAGACCTCAGC-3'
Protein context (NP_001357395.1, residues 421-441): SEQGIELYLR[Lys431Thr]RHHEPGVADR